The following is an entry in ClinVar:

ClinVar aggregate classification (germline): Likely benign (1 of 4 stars; one submission).

Submission:

GeneDx
Classification: Likely benign. Last evaluated: 2015-12-03. Review status: criteria provided, single submitter. Criteria: GeneDx Variant Classification (06012015). Collection method: clinical testing. Allele origin: germline. Affected: yes.
Comment: This variant is considered likely benign or benign based on one or more of the following criteria: it is a conservative change, it occurs at a poorly conserved position in the protein, it is predicted to be benign by multiple in silico algorithms, and/or has population frequency not consistent with disease.

NM_203447.4(DOCK8):c.963T>A (p.Pro321=)

Gene: DOCK8 (dedicator of cytokinesis 8; plus strand). Cytogenetic location: 9p24.3.
Variant type: single nucleotide variant.
Coding change: c.963T>A on transcript NM_203447.4 (MANE Select); coding-DNA position 963, T replaced by A.
Protein change: p.Pro321=; no amino-acid change (proline 321 retained).
Molecular consequence: synonymous variant.
Genome position (GRCh38, 1-based): chr9:328,090, T>A. VCF-style: chr9-328090-T-A. GRCh37 (hg19) VCF-style: chr9-328090-T-A.
Other names: c.759T>A, p.Pro253= (NM_001190458.2, NM_001193536.2).
Identifiers: ClinVar variation 381808 (VCV000381808.1), dbSNP rs1057521177, ClinGen allele CA16605838.
Genomic context (GRCh38, chr9:328,090, plus strand): 5'-AAATTTTCACTGTGACCTGAACTCTGACCAGTTCAAAGGATTTCTGCGAGCTCACACGCC[T>A]TCAGTGGCCGCATCAAGTCAGGCGAGATCTGCAGTCTTCTCAGTCACCTACCCGTCCTCA-3'
Protein context (NP_982272.2, residues 311-331): QFKGFLRAHT[Pro321=]SVAASSQARS